The following is an entry in ClinVar:

NM_019892.6(INPP5E):c.580C>G (p.Pro194Ala)

Gene: INPP5E (inositol polyphosphate-5-phosphatase E; minus strand). Cytogenetic location: 9q34.3.
Variant type: single nucleotide variant.
Coding change: c.580C>G on transcript NM_019892.6 (MANE Select); coding-DNA position 580, C replaced by G.
Protein change: p.Pro194Ala; replaces proline 194 with alanine.
Molecular consequence: missense variant.
Genome position (GRCh38, 1-based): chr9:136,438,840, G>C on the plus strand (C>G on the coding strand, the complement: INPP5E is on the minus strand). VCF-style: chr9-136438840-G-C. GRCh37 (hg19) VCF-style: chr9-139333292-G-C.
Other names: c.580C>G, p.Pro194Ala (NM_001318502.2); short protein forms P194A.
Identifiers: ClinVar variation 913363 (VCV000913363.12), dbSNP rs200223403, ClinGen allele CA5337132.

ClinVar aggregate classification (germline): Uncertain significance. Review status: criteria provided, multiple submitters, no conflicts (2 of 4 stars). 2 submissions from 2 submitters: Uncertain significance (2). Last evaluated 2024-12-16.

Conditions:
Joubert syndrome 1 (JBTS1). Also called: Cerebellooculorenal syndrome 1; CEREBELLOPARENCHYMAL DISORDER IV. Identifiers: MedGen C4551568, MONDO:0008944, OMIM 213300.
Joubert syndrome. Also called: JOUBERT-BOLTSHAUSER SYNDROME; Familial aplasia of the vermis. Identifiers: Orphanet 475, MedGen C5979921, MONDO:0018772.

Allele frequency attached by ClinVar (database versions not stated): TOPMed 0.00003; ExAC 0.00004; gnomAD exomes 0.00004 and 0.00025; gnomAD 0.00005 and 0.00009; 1000 Genomes Project 30x 0.00047; 1000 Genomes Project 0.00060.

Submissions (2):

Labcorp Genetics (formerly Invitae), Labcorp
Classification: Uncertain significance for Joubert syndrome. Last evaluated: 2024-12-16. Review status: criteria provided, single submitter. Criteria: Invitae Variant Classification Sherloc (09022015). Collection method: clinical testing. Allele origin: germline.
Comment: This sequence change replaces proline, which is neutral and non-polar, with alanine, which is neutral and non-polar, at codon 194 of the INPP5E protein (p.Pro194Ala). This variant is present in population databases (rs200223403, gnomAD 0.05%). This variant has not been reported in the literature in individuals affected with INPP5E-related conditions. ClinVar contains an entry for this variant (Variation ID: 913363). Invitae Evidence Modeling of protein sequence and biophysical properties (such as structural, functional, and spatial information, amino acid conservation, physicochemical variation, residue mobility, and thermodynamic stability) indicates that this missense variant is not expected to disrupt INPP5E protein function with a negative predictive value of 95%. In summary, the available evidence is currently insufficient to determine the role of this variant in disease. Therefore, it has been classified as a Variant of Uncertain Significance.

Illumina Laboratory Services, Illumina
Classification: Uncertain significance for Joubert syndrome 1. Last evaluated: 2018-01-13. Review status: criteria provided, single submitter. Criteria: ICSL Variant Classification Criteria 13 December 2019. Collection method: clinical testing. Allele origin: germline.